The following is an entry in ClinVar:

NM_001114753.3(ENG):c.620G>T (p.Cys207Phe)

Gene: ENG (endoglin; minus strand). Cytogenetic location: 9q34.11.
Variant type: single nucleotide variant.
Coding change: c.620G>T on transcript NM_001114753.3 (MANE Select); coding-DNA position 620, G replaced by T.
Protein change: p.Cys207Phe; replaces cysteine 207 with phenylalanine.
Molecular consequence: missense variant.
Genome position (GRCh38, 1-based): chr9:127,825,764, C>A on the plus strand (G>T on the coding strand, the complement: ENG is on the minus strand). VCF-style: chr9-127825764-C-A. GRCh37 (hg19) VCF-style: chr9-130588043-C-A.
Other names: c.620G>T, p.Cys207Phe (NM_000118.4, NM_001406715.1); c.74G>T, p.Cys25Phe (NM_001278138.2); short protein forms C207F, C25F.
Identifiers: ClinVar variation 994240 (VCV000994240.8), dbSNP rs1830599119, ClinGen allele CA374983619.
Genomic context (GRCh38, chr9:127,825,764, plus strand): 5'-TGGCCCGGCAGGACCCTCAGGATGTGCGCCTCCTTGTGGCCGGCCACGCCTTCCAAGTGG[C>A]AGCCCCGGACCAAGGCTGGAGTACGCGGCCGCCACTCGAGCGTGCGGCCCATGTCCTGGC-3'
Protein context (NP_001108225.1, residues 197-217): RPRTPALVRG[Cys207Phe]HLEGVAGHKE

ClinVar aggregate classification (germline): Likely pathogenic (1 of 4 stars; one submission).

Conditions:
Telangiectasia, hereditary hemorrhagic, type 1 (HHT1). Also called: Osler Weber Rendu syndrome type 1; ENG-Related Hereditary Hemorrhagic Telangiectasia. Identifiers: Orphanet 774, MedGen C4551861, MONDO:0008535, OMIM 187300. Disease mechanism: loss of function.

Submission:

ARUP Laboratories, Molecular Genetics and Genomics, ARUP Laboratories
Classification: Likely pathogenic for Telangiectasia, hereditary hemorrhagic, type 1. Last evaluated: 2020-03-02. Review status: criteria provided, single submitter. Criteria: ARUP Molecular Germline Variant Investigation Process. Collection method: clinical testing. Allele origin: germline.
Comment: The ENG c.620G>T; p.Cys207Phe variant, to our knowledge, is not reported in the medical literature or gene specific databases. This variant is also absent from general population databases (Exome Variant Server, Genome Aggregation Database), indicating it is not a common polymorphism. The cysteine at codon 207 is highly conserved, and computational analyses (SIFT, PolyPhen-2) predict that this variant is deleterious. Additionally, two other variants at this codon (p.Cys207Tyr, p.Cys207Arg) have been reported in individuals with HHT (see HHT database link, Mallet 2015). The p.Cys207Arg variant was also shown to co-segregate with disease, and functional analyses of the variant protein showed mislocalization and complete inactivation (Mallet 2015). Based on available information, the p.Cys207Phe variant is considered to be likely pathogenic. REFERENCES Link to ENG HHT database: Mallet C et al. Functional analysis of endoglin mutations from hereditary hemorrhagic telangiectasia type 1 patients reveals different mechanisms for endoglin loss of function. Hum Mol Genet. 2015 Feb 15;24(4):1142-54.